The following is an entry in ClinVar:

ClinVar aggregate classification (germline): Likely benign (0 of 4 stars; one submission).

Conditions:
LRP1-related disorder. Also called: LRP1-related condition.

Allele frequency attached by ClinVar (database versions not stated): gnomAD 0.00012; TOPMed 0.00012; ExAC 0.00014; ESP Exome Variant Server 0.00015; 1000 Genomes Project 30x 0.00031; 1000 Genomes Project 0.00040.
gnomAD v4.1: 97 of 1,594,816 alleles (0.0061%); highest among the groups gnomAD compares: African/African-American, 0.041%; no homozygotes.

Submission:

PreventionGenetics, part of Exact Sciences
Classification: Likely benign for LRP1-related condition. Last evaluated: 2019-12-24. Review status: no assertion criteria provided. Collection method: clinical testing. Allele origin: germline.
Comment: This variant is classified as likely benign based on ACMG/AMP sequence variant interpretation guidelines (Richards et al. 2015 PMID: 25741868, with internal and published modifications).

NM_002332.3(LRP1):c.9927C>T (p.Pro3309=)

Gene: LRP1 (LDL receptor related protein 1; plus strand). Cytogenetic location: 12q13.3.
Variant type: single nucleotide variant.
Coding change: c.9927C>T on transcript NM_002332.3 (MANE Select); coding-DNA position 9927, C replaced by T.
Protein change: p.Pro3309=; no amino-acid change (proline 3309 retained).
Molecular consequence: synonymous variant.
Genome position (GRCh38, 1-based): chr12:57,199,938, C>T. VCF-style: chr12-57199938-C-T. GRCh37 (hg19) VCF-style: chr12-57593721-C-T.
Identifiers: ClinVar variation 3037854 (VCV003037854.2), dbSNP rs142648527, ClinGen allele CA6644829.
Genomic context (GRCh38, chr12:57,199,938, plus strand): 5'-GCCCAATCACCCCTGCAAGGTCAACAATGGTGGCTGCAGCAACCTGTGCCTGCTGTCCCC[C>T]GGGGGAGGGCACAAATGTGCCTGCCCCACCAACTTCTACCTGGGCAGCGATGGGCGCACC-3'
Protein context (NP_002323.2, residues 3299-3319): GGCSNLCLLS[Pro3309=]GGGHKCACPT